The following is an entry in ClinVar:

ClinVar aggregate classification (germline): Uncertain significance (1 of 4 stars; one submission).

Submission:

Labcorp Genetics (formerly Invitae), Labcorp
Classification: Uncertain significance. Last evaluated: 2024-03-12. Review status: criteria provided, single submitter. Criteria: Invitae Variant Classification Sherloc (09022015). Collection method: clinical testing. Allele origin: germline.
Comment: This sequence change replaces threonine, which is neutral and polar, with alanine, which is neutral and non-polar, at codon 526 of the DCHS1 protein (p.Thr526Ala). This variant is not present in population databases (gnomAD no frequency). This variant has not been reported in the literature in individuals affected with DCHS1-related conditions. Advanced modeling of protein sequence and biophysical properties (such as structural, functional, and spatial information, amino acid conservation, physicochemical variation, residue mobility, and thermodynamic stability) performed at Invitae indicates that this missense variant is not expected to disrupt DCHS1 protein function with a negative predictive value of 80%. In summary, the available evidence is currently insufficient to determine the role of this variant in disease. Therefore, it has been classified as a Variant of Uncertain Significance.

NM_003737.4(DCHS1):c.1576A>G (p.Thr526Ala)

Gene: DCHS1 (dachsous cadherin-related 1; minus strand). Cytogenetic location: 11p15.4.
Variant type: single nucleotide variant.
Coding change: c.1576A>G on transcript NM_003737.4 (MANE Select); coding-DNA position 1576, A replaced by G.
Protein change: p.Thr526Ala; replaces threonine 526 with alanine.
Molecular consequence: missense variant.
Genome position (GRCh38, 1-based): chr11:6,640,038, T>C on the plus strand (A>G on the coding strand, the complement: DCHS1 is on the minus strand). VCF-style: chr11-6640038-T-C. GRCh37 (hg19) VCF-style: chr11-6661269-T-C.
Other names: short protein forms T526A.
Identifiers: ClinVar variation 3671646 (VCV003671646.2).